The following is an entry in ClinVar:

ClinVar aggregate classification (germline): Uncertain significance (1 of 4 stars; one submission).

Conditions:
NCOA1-related disorder. Also called: NCOA1-related condition.

gnomAD v4.1: 2 of 1,614,092 alleles (0.00012%); highest among the groups gnomAD compares: Non-Finnish European, 0.00017%; no homozygotes.

Submission:

PreventionGenetics, part of Exact Sciences
Classification: Uncertain significance for NCOA1-related condition. Last evaluated: 2026-06-04. Review status: criteria provided, single submitter. Criteria: ACMG Guidelines, 2015. Collection method: clinical testing. Allele origin: germline.
Comment: The NCOA1 c.3902A>G variant is predicted to result in the amino acid substitution p.Gln1301Arg. To our knowledge, this variant has not been reported in the literature or in a large population database (gnomAD), indicating this variant is rare. At this time, the clinical significance of this variant is uncertain due to the absence of conclusive functional and genetic evidence.

NM_003743.5(NCOA1):c.3902A>G (p.Gln1301Arg)

Gene: NCOA1 (nuclear receptor coactivator 1; plus strand). Cytogenetic location: 2p23.3.
Variant type: single nucleotide variant.
Coding change: c.3902A>G on transcript NM_003743.5 (MANE Select); coding-DNA position 3902, A replaced by G.
Protein change: p.Gln1301Arg; replaces glutamine 1301 with arginine.
Molecular consequence: missense variant.
Genome position (GRCh38, 1-based): chr2:24,757,993, A>G. VCF-style: chr2-24757993-A-G. GRCh37 (hg19) VCF-style: chr2-24980862-A-G.
Other names: c.3902A>G, p.Gln1301Arg (NM_001362950.1, NM_001362952.1, NM_001362954.1 and 3 more transcripts); short protein forms Q1301R.
Identifiers: ClinVar variation 4980734 (VCV004980734.1).